The following is an entry in ClinVar:

NM_000271.5(NPC1):c.1102dup (p.Leu368fs)

Gene: NPC1 (NPC intracellular cholesterol transporter 1; minus strand). Cytogenetic location: 18q11.2.
Variant type: Duplication.
Coding change: c.1102dup on transcript NM_000271.5 (MANE Select); coding-DNA position 1102, one base duplicated (C; older notation c.1102dupC).
Protein change: p.Leu368fs; shifts the reading frame from leucine 368.
Molecular consequence: frameshift variant.
Genome position (GRCh38, 1-based): chr18:23,556,467, G duplicated on the plus strand (C on the coding strand, the reverse complement: NPC1 is on the minus strand); the first of 2 consecutive G bases (chr18:23,556,467-23,556,468); duplicating either gives the same sequence. VCF-style (leftmost placement, unchanged base first): chr18-23556466-A-AG. GRCh37 (hg19) VCF-style: chr18-21136430-A-AG.
Other names: short protein forms L368fs.
Identifiers: ClinVar variation 2771928 (VCV002771928.3), dbSNP rs2511283953, ClinGen allele CA2697555341.
Genomic context (GRCh38, chr18:23,556,466, plus strand): 5'-GCCTGGCTGCTGGGGGCTGACCAGAGGTCAACTGGATTGGTTGTGACCCGGACAAACACC[A>AG]GGCCTGACGAACACGCAGTAATGAAGACCAGCGAGAAGAAAATGACACAGCCAGGGTTTC-3'

ClinVar aggregate classification (germline): Pathogenic (1 of 4 stars; one submission).

Conditions:
Niemann-Pick disease, type C1. Also called: NEUROVISCERAL STORAGE DISEASE WITH VERTICAL SUPRANUCLEAR OPHTHALMOPLEGIA; NIEMANN-PICK DISEASE WITH CHOLESTEROL ESTERIFICATION BLOCK; NIEMANN-PICK DISEASE WITHOUT SPHINGOMYELINASE DEFICIENCY; NIEMANN-PICK DISEASE, CHRONIC NEURONOPATHIC FORM; NIEMANN-PICK DISEASE, VARIANT TYPE C1. Identifiers: Orphanet 646, MedGen C3179455, MONDO:0009757, OMIM 257220.

Submission:

Labcorp Genetics (formerly Invitae), Labcorp
Classification: Pathogenic for Niemann-Pick disease, type C1. Last evaluated: 2023-10-26. Review status: criteria provided, single submitter. Criteria: Invitae Variant Classification Sherloc (09022015). Collection method: clinical testing. Allele origin: germline.
Comment: This sequence change creates a premature translational stop signal (p.Leu368Profs*12) in the NPC1 gene. It is expected to result in an absent or disrupted protein product. Loss-of-function variants in NPC1 are known to be pathogenic (PMID: 9211850). This variant is not present in population databases (gnomAD no frequency). This variant has not been reported in the literature in individuals affected with NPC1-related conditions. For these reasons, this variant has been classified as Pathogenic.

Literature cited by the submitters: PubMed 9211850.